The following is an entry in ClinVar:

NM_032603.5(LOXL3):c.161A>G (p.Tyr54Cys)

Genes: DOK1 (docking protein 1; plus strand), LOXL3 (lysyl oxidase like 3; minus strand). Cytogenetic location: 2p13.1.
Variant type: single nucleotide variant.
Coding change: c.161A>G on transcript NM_032603.5 (MANE Select); coding-DNA position 161, A replaced by G.
Protein change: p.Tyr54Cys; replaces tyrosine 54 with cysteine.
Molecular consequence: missense variant. On other transcripts: intron variant (1).
Genome position (GRCh38, 1-based): chr2:74,552,474, T>C on the plus strand (A>G on the coding strand, the complement: LOXL3 is on the minus strand). VCF-style: chr2-74552474-T-C. GRCh37 (hg19) VCF-style: chr2-74779601-T-C.
Other names: c.161A>G, p.Tyr54Cys (NM_001289164.3); c.-357-2680T>C (NM_001197260.2); short protein forms Y54C.
Identifiers: ClinVar variation 1992141 (VCV001992141.3), dbSNP rs1213377664, ClinGen allele CA347397306.

ClinVar aggregate classification (germline): Uncertain significance. Review status: criteria provided, multiple submitters, no conflicts (2 of 4 stars). 2 submissions from 2 submitters: Uncertain significance (2). Last evaluated 2025-08-23.

Allele frequency attached by ClinVar (database versions not stated): TOPMed 0.00002; gnomAD 0.00001.
gnomAD v4.1: 3 of 1,613,524 alleles (0.00019%); highest among the groups gnomAD compares: Admixed American, 0.005%; no homozygotes.

Submissions (2):

Ambry Genetics
Classification: Uncertain significance. Last evaluated: 2025-08-23. Review status: criteria provided, single submitter. Criteria: Ambry Variant Classification Scheme 2023. Collection method: clinical testing. Allele origin: germline.

Labcorp Genetics (formerly Invitae), Labcorp
Classification: Uncertain significance. Last evaluated: 2022-01-22. Review status: criteria provided, single submitter. Criteria: Invitae Variant Classification Sherloc (09022015). Collection method: clinical testing. Allele origin: germline.
Comment: Algorithms developed to predict the effect of missense changes on protein structure and function are either unavailable or do not agree on the potential impact of this missense change (SIFT: "Tolerated"; PolyPhen-2: "Possibly Damaging"; Align-GVGD: "Class C0"). In summary, the available evidence is currently insufficient to determine the role of this variant in disease. Therefore, it has been classified as a Variant of Uncertain Significance. This variant has not been reported in the literature in individuals affected with LOXL3-related conditions. This variant is present in population databases (no rsID available, gnomAD 0.003%). This sequence change replaces tyrosine, which is neutral and polar, with cysteine, which is neutral and slightly polar, at codon 54 of the LOXL3 protein (p.Tyr54Cys).